The following is an entry in ClinVar:

ClinVar aggregate classification (germline): Uncertain significance (1 of 4 stars; one submission).

Allele frequency attached by ClinVar (database versions not stated): gnomAD exomes below 0.00001.
gnomAD v4.1: 1 of 1,614,180 alleles (0.000062%); highest among the groups gnomAD compares: Admixed American, 0.0017%; no homozygotes.

Submission:

Labcorp Genetics (formerly Invitae), Labcorp
Classification: Uncertain significance. Last evaluated: 2023-04-26. Review status: criteria provided, single submitter. Criteria: Invitae Variant Classification Sherloc (09022015). Collection method: clinical testing. Allele origin: germline.
Comment: This variant is present in population databases (no rsID available, gnomAD 0.003%). In summary, the available evidence is currently insufficient to determine the role of this variant in disease. Therefore, it has been classified as a Variant of Uncertain Significance. Advanced modeling of protein sequence and biophysical properties (such as structural, functional, and spatial information, amino acid conservation, physicochemical variation, residue mobility, and thermodynamic stability) performed at Invitae indicates that this missense variant is not expected to disrupt CRAT protein function. This variant has not been reported in the literature in individuals affected with CRAT-related conditions. This sequence change replaces glutamine, which is neutral and polar, with arginine, which is basic and polar, at codon 187 of the CRAT protein (p.Gln187Arg).

NM_000755.5(CRAT):c.560A>G (p.Gln187Arg)

Gene: CRAT (carnitine O-acetyltransferase; minus strand). Cytogenetic location: 9q34.11.
Variant type: single nucleotide variant.
Coding change: c.560A>G on transcript NM_000755.5 (MANE Select); coding-DNA position 560, A replaced by G.
Protein change: p.Gln187Arg; replaces glutamine 187 with arginine.
Molecular consequence: missense variant.
Genome position (GRCh38, 1-based): chr9:129,102,470, T>C on the plus strand (A>G on the coding strand, the complement: CRAT is on the minus strand). VCF-style: chr9-129102470-T-C. GRCh37 (hg19) VCF-style: chr9-131864749-T-C.
Other names: c.497A>G, p.Gln166Arg (NM_001257363.3, NM_001346548.2, NM_004003.4); c.563A>G, p.Gln188Arg (NM_001346546.2); c.560A>G, p.Gln187Arg (NM_001346547.2); c.440A>G, p.Gln147Arg (NM_001346549.2); short protein forms Q187R, Q166R, Q147R, Q188R.
Identifiers: ClinVar variation 2979769 (VCV002979769.3), dbSNP rs1358306358, ClinGen allele CA375099486.